The following is an entry in ClinVar:

NM_001358235.2(DCHS2):c.2477-8381C>T

Gene: DCHS2 (dachsous cadherin-related 2; minus strand). Cytogenetic location: 4q31.3.
Variant type: single nucleotide variant.
Coding change: c.2477-8381C>T on transcript NM_001358235.2 (MANE Select); 8381 bases into the intron before coding-DNA position 2477, C replaced by T.
Molecular consequence: intron variant.
Genome position (GRCh38, 1-based): chr4:154,343,485, G>A on the plus strand (C>T on the coding strand, the complement: DCHS2 is on the minus strand). VCF-style: chr4-154343485-G-A. GRCh37 (hg19) VCF-style: chr4-155264637-G-A.
Other names: NM_017639.3:c.962C>T; c.2477-8381C>T (NM_001142552.2).
Identifiers: ClinVar variation 3060338 (VCV003060338.2), dbSNP rs62331892, ClinGen allele CA3113444.
Genomic context (GRCh38, chr4:154,343,485, plus strand): 5'-GCTGTTTCATCTACATTGAAAATCTATTGTTTAGTGTAACCACCTTCACCAAGAATCTTA[G>A]CTAGATTTGCTACATACCTTGCTGCAGCTTCTCCATCAGCACTTGCTGCTTCATCTTGCA-3'

ClinVar aggregate classification (germline): Benign (0 of 4 stars; one submission).

Conditions:
DCHS2-related disorder. Also called: DCHS2-related condition.

Allele frequency attached by ClinVar (database versions not stated): 1000 Genomes Project 30x 0.02514; 1000 Genomes Project 0.02556; TOPMed 0.03334; ESP Exome Variant Server 0.03452; gnomAD 0.03690; ExAC 0.04605.
gnomAD v4.1: 68,374 of 1,453,156 alleles (4.7%); highest among the groups gnomAD compares: South Asian, 6%; 1,774 homozygotes.

Submission:

PreventionGenetics, part of Exact Sciences
Classification: Benign for DCHS2-related condition. Last evaluated: 2019-03-14. Review status: no assertion criteria provided. Collection method: clinical testing. Allele origin: germline.
Comment: This variant is classified as benign based on ACMG/AMP sequence variant interpretation guidelines (Richards et al. 2015 PMID: 25741868, with internal and published modifications).